The following is an entry in ClinVar:

ClinVar aggregate classification (germline): Likely benign (1 of 4 stars; one submission).

Submission:

CeGaT Center for Human Genetics Tuebingen
Classification: Likely benign. Last evaluated: 2023-03-01. Review status: criteria provided, single submitter. Criteria: CeGaT Center For Human Genetics Tuebingen Variant Classification Criteria Version 2. Collection method: clinical testing. Allele origin: germline. Affected: yes. Observed: 1 variant allele.
Comment: GDAP2: PM2:Supporting, BP4, BP7

NM_017686.4(GDAP2):c.1467A>C (p.Thr489=)

Gene: GDAP2 (ganglioside induced differentiation associated protein 2; minus strand). Cytogenetic location: 1p12.
Variant type: single nucleotide variant.
Coding change: c.1467A>C on transcript NM_017686.4 (MANE Select); coding-DNA position 1467, A replaced by C.
Protein change: p.Thr489=; no amino-acid change (threonine 489 retained).
Molecular consequence: synonymous variant.
Genome position (GRCh38, 1-based): chr1:117,870,596, T>G on the plus strand (A>C on the coding strand, the complement: GDAP2 is on the minus strand). VCF-style: chr1-117870596-T-G. GRCh37 (hg19) VCF-style: chr1-118413218-T-G.
Identifiers: ClinVar variation 2639032 (VCV002639032.24), dbSNP rs1570960672, ClinGen allele CA419988003.